The following is an entry in ClinVar:

ClinVar aggregate classification (germline): Uncertain significance (1 of 4 stars; one submission).

Conditions:
Inborn genetic diseases. Identifiers: MedGen C0950123, MeSH D030342.

Submission:

Ambry Genetics
Classification: Uncertain significance for Inborn genetic diseases. Last evaluated: 2024-05-28. Review status: criteria provided, single submitter. Criteria: Ambry Variant Classification Scheme 2023. Collection method: clinical testing. Allele origin: germline.
Comment: The c.176C>T (p.P59L) alteration is located in exon 2 (coding exon 2) of the EBF3 gene. This alteration results from a C to T substitution at nucleotide position 176, causing the proline (P) at amino acid position 59 to be replaced by a leucine (L). This variant was not reported in population-based cohorts in the Genome Aggregation Database (gnomAD). This amino acid position is highly conserved in available vertebrate species. This missense alteration is located in a region that has a low rate of benign missense variation (Lek, 2016; Firth, 2009). The in silico prediction for this alteration is inconclusive. Based on insufficient or conflicting evidence, the clinical significance of this alteration remains unclear.

NM_001375380.1(EBF3):c.176C>T (p.Pro59Leu)

Gene: EBF3 (EBF transcription factor 3; minus strand). Cytogenetic location: 10q26.3.
Variant type: single nucleotide variant.
Coding change: c.176C>T on transcript NM_001375380.1 (MANE Select); coding-DNA position 176, C replaced by T.
Protein change: p.Pro59Leu; replaces proline 59 with leucine.
Molecular consequence: missense variant.
Genome position (GRCh38, 1-based): chr10:129,963,482, G>A on the plus strand (C>T on the coding strand, the complement: EBF3 is on the minus strand). VCF-style: chr10-129963482-G-A. GRCh37 (hg19) VCF-style: chr10-131761746-G-A.
Other names: c.176C>T, p.Pro59Leu (NM_001005463.3, NM_001375379.1, NM_001375389.1 and 3 more transcripts); short protein forms P59L.
Identifiers: ClinVar variation 3274351 (VCV003274351.1).